The following is an entry in ClinVar:

NM_032043.3(BRIP1):c.1871C>A (p.Ser624Ter)

Gene: BRIP1 (BRCA1 interacting DNA helicase 1; minus strand). Cytogenetic location: 17q23.2.
Variant type: single nucleotide variant.
Coding change: c.1871C>A on transcript NM_032043.3 (MANE Select); coding-DNA position 1871, C replaced by A.
Protein change: p.Ser624Ter; replaces serine 624 with a stop codon.
Molecular consequence: nonsense.
Genome position (GRCh38, 1-based): chr17:61,780,325, G>T on the plus strand (C>A on the coding strand, the complement: BRIP1 is on the minus strand). VCF-style: chr17-61780325-G-T. GRCh37 (hg19) VCF-style: chr17-59857686-G-T.
Other names: p.S624*:TCG>TAG; short protein forms S624*.
Identifiers: ClinVar variation 140852 (VCV000140852.49), dbSNP rs587781321, ClinGen allele CA293947.
Genomic context (GRCh38, chr17:61,780,325, plus strand): 5'-GAATTTTTAATGATATGATTAGCCTCCAGCTGGATAGTAAATGTAACACCAAGTTCTGAC[G>T]AAAAGGATTTCATTGGTGATAATGTACCAGATGTCAAAACAATGGTCTGAACTTTGCCAT-3'

ClinVar aggregate classification (germline): Pathogenic/Likely pathogenic. Review status: criteria provided, multiple submitters, no conflicts (2 of 4 stars). 21 submissions from 21 submitters: Pathogenic (18); Likely pathogenic (1). 2 of the submissions do not count toward it. Last evaluated 2026-06-10.

Conditions:
Ovarian cancer. Also called: OVARIAN CANCER, SOMATIC. Identifiers: Orphanet 213500, MedGen C1140680, MONDO:0008170, OMIM 167000.
Fanconi anemia complementation group J. Also called: BRIP1-Related Fanconi Anemia. Identifiers: Orphanet 84, MedGen C1836860, MONDO:0012187, OMIM 609054.
BRIP1-associated familial cancer predisposition.
BRIP1-related disorder. Also called: BRIP1-related condition; BRIP1-related disorders. Identifiers: MedGen CN239206.
Inherited ovarian cancer (without breast cancer).
Hereditary cancer-predisposing syndrome. Also called: Tumor predisposition; Neoplastic Syndromes, Hereditary; Hereditary neoplastic syndrome; Hereditary Cancer Syndrome. Identifiers: Orphanet 140162, MedGen C0027672, MeSH D009386, MONDO:0015356.
Familial cancer of breast. Also called: BREAST CANCER, FAMILIAL; Hereditary breast cancer; hereditary breast carcinoma. Identifiers: Orphanet 227535, MedGen C0346153, MONDO:0016419, OMIM 114480. Disease mechanism: loss of function.
Hereditary breast ovarian cancer syndrome. Also called: Hereditary breast and ovarian cancer syndrome; Hereditary breast and ovarian cancer; Hereditary breast and ovarian cancer syndrome (HBOC); Hereditary breast and/or ovarian cancer syndrome; BRCA1- and BRCA2-Associated Hereditary Breast and Ovarian Cancer; Breast and ovarian cancer. Identifiers: Orphanet 145, MedGen C0677776, MeSH D061325, MONDO:0003582. Disease mechanism: loss of function.
Malignant tumor of breast. Also called: Malignant breast neoplasm; Cancer breast. Identifiers: MedGen C0006142, MONDO:0007254. Disease mechanism: loss of function.

Allele frequency attached by ClinVar (database versions not stated): ExAC 0.00001; TOPMed 0.00002; gnomAD 0.00006.
gnomAD v4.1: 48 of 1,610,912 alleles (0.003%); highest among the groups gnomAD compares: African/African-American, 0.004%; no homozygotes.

Submissions 1 to 10 of 21:

PreventionGenetics, part of Exact Sciences
Classification: Pathogenic for BRIP1-related condition. Last evaluated: 2026-06-10. Review status: criteria provided, single submitter. Criteria: ACMG Guidelines, 2015. Collection method: clinical testing. Allele origin: germline.
Comment: The BRIP1 c.1871C>A variant is predicted to result in premature protein termination (p.Ser624*). This variant has been found in patients with hereditary cancer (LaDuca et al. 2014. PubMed ID: 24763289), breast cancer (Easton et al. 2016. PubMed ID: 26921362), and ovarian cancer (Norquist et al. 2016. PubMed ID: 26720728; Carter et al. 2018. PubMed ID: 30322717). This variant has been reported in the ClinVar database as likely pathogenic/pathogenic (Variation ID: 140852). This variant is expected to result in a loss of BRIP1 protein function and loss-of-function variants in BRIP1 are expected to be pathogenic (Rafnar et al. 2011. PubMed ID: 21964575, Seal et al. 2006. PubMed ID: 17033622). In summary, we interpret this variant as pathogenic.

Genetics Laboratory, Great Ormond Street Hospital NHS Foundation Trust, North Thames Genomic Laboratory Hub
Classification: Pathogenic for Inherited ovarian cancer (without breast cancer). Last evaluated: 2026-03-24. Review status: criteria provided, single submitter. Criteria: CanVIG Consensus Spec V3.0. Collection method: clinical testing. Allele origin: germline. Affected: yes.
Comment: PS4_supporting, PVS1_very-strong, PM5_supporting

NHS Central & South Genomic Laboratory Hub
Classification: Pathogenic for Inherited ovarian cancer (without breast cancer). Last evaluated: 2026-02-26. Review status: criteria provided, single submitter. Criteria: ACMG Guidelines, 2015. Collection method: clinical testing. Allele origin: germline. Affected: yes.

Labcorp Genetics (formerly Invitae), Labcorp
Classification: Pathogenic for Familial cancer of breast; Fanconi anemia complementation group J. Last evaluated: 2025-12-22. Review status: criteria provided, single submitter. Criteria: Invitae Variant Classification Sherloc (09022015). Collection method: clinical testing. Allele origin: germline.
Comment: This sequence change creates a premature translational stop signal (p.Ser624*) in the BRIP1 gene. It is expected to result in an absent or disrupted protein product. Loss-of-function variants in BRIP1 are known to be pathogenic (PMID: 16116423, 17033622, 21964575). This variant is present in population databases (rs587781321, gnomAD 0.004%). This premature translational stop signal has been observed in individual(s) with breast cancer and ovarian cancer (PMID: 26315354, 26720728, 26921362). ClinVar contains an entry for this variant (Variation ID: 140852). Studies have shown that this premature translational stop signal is associated with altered splicing resulting in multiple RNA products (internal data). For these reasons, this variant has been classified as Pathogenic.

Mayo Clinic Laboratories, Mayo Clinic
Classification: Pathogenic. Last evaluated: 2025-09-09. Review status: criteria provided, single submitter. Criteria: ACMG Guidelines, 2015. Collection method: clinical testing. Allele origin: germline. Observed: 1 variant allele.
Comment: PS4, PVS1

German Consortium for Hereditary Breast and Ovarian Cancer, University Hospital Cologne
Classification: Likely pathogenic for Hereditary breast ovarian cancer syndrome. Last evaluated: 2025-08-13. Review status: criteria provided, single submitter. Criteria: ACMG Guidelines, 2015. Collection method: curation. Allele origin: germline.
Comment: This classification follows the ACMG SVI adaptation classification scheme; We chose these criteria: PVS1 (very strong pathogenic): Tayoun (2018, PMID: 30192042): Nonsense or Frameshift--> Predicted to undergo NMD --> Exon is present in biologically-relevant transcript(s), PS4 (supporting pathogenic): Multiple literature reports listing individuals affected with breast- and/or ovarian cancer carrying mutation (e.g. Kanchi ( 2014, PMID: 24448499), LaDuca (2014, PMID: 24763289), Ramus 2015 (PMID: 26315354), Thompson (2016, PMID: 26786923), Huang (2018, PMID: 29625052))

Ambry Genetics
Classification: Pathogenic for Hereditary cancer-predisposing syndrome. Last evaluated: 2025-03-07. Review status: criteria provided, single submitter. Criteria: Ambry Variant Classification Scheme 2023. Collection method: clinical testing. Allele origin: germline.
Comment: The p.S624* pathogenic mutation (also known as c.1871C>A), located in coding exon 12 of the BRIP1 gene, results from a C to A substitution at nucleotide position 1871. This changes the amino acid from a serine to a stop codon within coding exon 12. In addition to the clinical data presented in the literature, this alteration is expected to result in loss of function by premature protein truncation or nonsense-mediated mRNA decay. As such, this alteration is interpreted as a disease-causing mutation.

ARUP Laboratories, Molecular Genetics and Genomics, ARUP Laboratories
Classification: Pathogenic. Last evaluated: 2025-02-11. Review status: criteria provided, single submitter. Criteria: ARUP Molecular Germline Variant Investigation Process 2024. Collection method: clinical testing. Allele origin: germline.
Comment: The BRIP1 c.1871C>A; p.Ser624Ter variant (rs587781321, ClinVar Variation ID 140852) is reported in the literature in numerous individuals affected with breast and/or ovarian cancer (Carter 2018, Norquist 2016, Palmer 2020, Ramus 2015, Yang 2022). This variant is found in the general population with an overall allele frequency of 0.0025% (7/282740 alleles) in the Genome Aggregation Database (v2.1.1). This variant induces an early termination codon and is predicted to result in a truncated protein or mRNA subject to nonsense-mediated decay. Based on available information, this variant is considered to be pathogenic. References: Carter et al. Germline pathogenic variants identified in women with ovarian tumors. Gynecol Oncol. 2018 Dec;151(3):481-488. PMID: 30322717. Norquist et al. Inherited Mutations in Women With Ovarian Carcinoma. JAMA Oncol. 2016 Apr;2(4):482-90. PMID: 26720728 Palmer et al. Contribution of Germline Predisposition Gene Mutations to Breast Cancer Risk in African American Women. J Natl Cancer Inst. 2020 Dec 14;112(12):1213-1221. PMID: 32427313 Ramus et al. Germline Mutations in the BRIP1, BARD1, PALB2, and NBN Genes in Women With Ovarian Cancer. J Natl Cancer Inst. 2015 Aug 27;107(11):djv214. PMID: 26315354 Yang Y et al. The germline mutational landscape of genitourinary cancers and its indication for prognosis and risk. BMC Urol. 2022 Nov 30;22(1):196. PMID: 36451132

Color Diagnostics, LLC DBA Color Health
Classification: Pathogenic for Hereditary cancer-predisposing syndrome. Last evaluated: 2024-12-23. Review status: criteria provided, single submitter. Criteria: ACMG Guidelines, 2015. Collection method: clinical testing. Allele origin: germline.
Comment: This variant changes 1 nucleotide in exon 13 of the BRIP1 gene, creating a premature translation stop signal. This variant is expected to result in an absent or non-functional protein product. This variant has been reported in individuals affected with breast and ovarian cancer (PMID: 26315354, 26689913, 26720728, 26786923, 26921362, 29625052, 30322717). This variant has been identified in 7/282740 chromosomes in the general population by the Genome Aggregation Database (gnomAD). Loss of BRIP1 function is a known mechanism of disease. Based on the available evidence, this variant is classified as Pathogenic.

GeneDx
Classification: Pathogenic. Last evaluated: 2024-10-08. Review status: criteria provided, single submitter. Criteria: GeneDx Variant Classification Process June 2021. Collection method: clinical testing. Allele origin: germline. Affected: yes.
Comment: Nonsense variant predicted to result in protein truncation or nonsense mediated decay in a gene for which loss of function is a known mechanism of disease; Not observed at significant frequency in large population cohorts (gnomAD); This variant is associated with the following publications: (PMID: 30322717, 24763289, 24448499, 26689913, 26786923, 26720728, 29625052, 26315354, 26921362, 30612635, 32427313, 29922827, 28888541, 21964575, 17033622, 32830346, 33471991, 16116423, 35626031, 38912178, 36451132)